The following is an entry in ClinVar:

NM_001164508.2(NEB):c.21572C>G (p.Thr7191Arg)

Genes: NEB (nebulin; minus strand), RIF1 (replication timing regulatory factor 1; plus strand). Cytogenetic location: 2q23.3.
Variant type: single nucleotide variant.
Coding change: c.21572C>G on transcript NM_001164508.2 (MANE Select); coding-DNA position 21572, C replaced by G.
Protein change: p.Thr7191Arg; replaces threonine 7191 with arginine.
Molecular consequence: missense variant.
Genome position (GRCh38, 1-based): chr2:151,531,052, G>C on the plus strand (C>G on the coding strand, the complement: NEB is on the minus strand). VCF-style: chr2-151531052-G-C. GRCh37 (hg19) VCF-style: chr2-152387566-G-C.
Other names: c.21572C>G, p.Thr7191Arg (NM_001164507.2); c.21677C>G, p.Thr7226Arg (NM_001271208.2); c.16469C>G, p.Thr5490Arg (NM_004543.5); short protein forms T5490R, T7191R, T7226R.
Identifiers: ClinVar variation 2102554 (VCV002102554.1), dbSNP rs1190101717, ClinGen allele CA348770292.
Genomic context (GRCh38, chr2:151,531,052, plus strand): 5'-ACATCACTGACTTCATCTTTAACCTTGCGGACATGCAGCAACATGGGTGTGTCGTGGATT[G>C]TGGTGTAGCCTCTGGGTTTGGCCTTGTTGTATTCCAATTTATAAAGGATCTGAAAGATCA-3'
Protein context (NP_001157980.2, residues 7181-7201): YNKAKPRGYT[Thr7191Arg]IHDTPMLLHV

ClinVar aggregate classification (germline): Uncertain significance (1 of 4 stars; one submission).

Conditions:
Nemaline myopathy 2 (NEM2). Also called: Nemaline myopathy 2, autosomal recessive. Identifiers: MedGen C1850569, MONDO:0009725, OMIM 256030.

Submission:

Labcorp Genetics (formerly Invitae), Labcorp
Classification: Uncertain significance for Nemaline myopathy 2. Last evaluated: 2022-02-23. Review status: criteria provided, single submitter. Criteria: Invitae Variant Classification Sherloc (09022015). Collection method: clinical testing. Allele origin: germline.
Comment: This sequence change replaces threonine, which is neutral and polar, with arginine, which is basic and polar, at codon 7226 of the NEB protein (p.Thr7226Arg). This variant is not present in population databases (gnomAD no frequency). This variant has not been reported in the literature in individuals affected with NEB-related conditions. Algorithms developed to predict the effect of missense changes on protein structure and function are either unavailable or do not agree on the potential impact of this missense change (SIFT: "Deleterious"; PolyPhen-2: "Not Available"; Align-GVGD: "Class C0"). In summary, the available evidence is currently insufficient to determine the role of this variant in disease. Therefore, it has been classified as a Variant of Uncertain Significance.